The following is an entry in ClinVar:

NM_001101426.4(CRPPA):c.1171del (p.Asn390_Leu391insTer)

Genes: CRPPA (CDP-L-ribitol pyrophosphorylase A; minus strand), CRPPA-AS1 (CRPPA antisense RNA 1; plus strand). Cytogenetic location: 7p21.2.
Variant type: Deletion.
Coding change: c.1171del on transcript NM_001101426.4 (MANE Select); coding-DNA position 1171, one base deleted (C; older notation c.1171delC).
Protein change: p.Asn390_Leu391insTer.
Molecular consequence: nonsense. On other transcripts: non-coding transcript variant (1).
Genome position (GRCh38, 1-based): chr7:16,216,146, G deleted on the plus strand (C on the coding strand, the reverse complement: CRPPA is on the minus strand); the first of 2 consecutive G bases (chr7:16,216,146-16,216,147); deleting either gives the same sequence. VCF-style (leftmost placement, unchanged base first): chr7-16216145-AG-A. GRCh37 (hg19) VCF-style: chr7-16255770-AG-A.
Other names: c.1021del, p.Asn340_Leu341insTer (NM_001101417.4); c.1066del, p.Asn355_Leu356insTer (NM_001368197.1).
Identifiers: ClinVar variation 4791963 (VCV004791963.1).

ClinVar aggregate classification (germline): Pathogenic (1 of 4 stars; one submission).

Conditions:
Muscular dystrophy-dystroglycanopathy (congenital with brain and eye anomalies), type A, 7. Also called: WALKER-WARBURG SYNDROME OR MUSCLE-EYE-BRAIN DISEASE, ISPD-RELATED; Congenital muscular dystrophy-dystroglycanopathy with brain and eye anomalies, type A7. Identifiers: Orphanet 899, MedGen C3553330, MONDO:0013835, OMIM 614643.
Autosomal recessive limb-girdle muscular dystrophy type 2U. Also called: Muscular dystrophy-dystroglycanopathy (limb-girdle), type c, 7; MUSCULAR DYSTROPHY, LIMB-GIRDLE, TYPE 2U. Identifiers: Orphanet 352479, MedGen C5190987, MONDO:0014474, OMIM 616052.

Submission:

Labcorp Genetics (formerly Invitae), Labcorp
Classification: Pathogenic for Muscular dystrophy-dystroglycanopathy (congenital with brain and eye anomalies), type A, 7; Autosomal recessive limb-girdle muscular dystrophy type 2U. Last evaluated: 2025-09-24. Review status: criteria provided, single submitter. Criteria: Invitae Variant Classification Sherloc (09022015). Collection method: clinical testing. Allele origin: germline.
Comment: This sequence change creates a premature translational stop signal (p.Leu391*) in the ISPD gene. It is expected to result in an absent or disrupted protein product. Loss-of-function variants in ISPD are known to be pathogenic (PMID: 23288328). This variant is not present in population databases (gnomAD no frequency). This variant has not been reported in the literature in individuals affected with ISPD-related conditions. For these reasons, this variant has been classified as Pathogenic.

Literature cited by the submitters: PubMed 23288328.